The following is an entry in ClinVar:

NM_006269.2(RP1):c.2801C>G (p.Ser934Ter)

Gene: RP1 (RP1 axonemal microtubule associated; plus strand). Cytogenetic location: 8q12.1.
Variant type: single nucleotide variant.
Coding change: c.2801C>G on transcript NM_006269.2 (MANE Select); coding-DNA position 2801, C replaced by G.
Protein change: p.Ser934Ter; replaces serine 934 with a stop codon.
Molecular consequence: nonsense. On other transcripts: intron variant (1).
Genome position (GRCh38, 1-based): chr8:54,626,683, C>G. VCF-style: chr8-54626683-C-G. GRCh37 (hg19) VCF-style: chr8-55539243-C-G.
Other names: c.787+4395C>G (NM_001375654.1); short protein forms S934*.
Identifiers: ClinVar variation 2996352 (VCV002996352.3), dbSNP rs867880328, ClinGen allele CA370994655.

ClinVar aggregate classification (germline): Pathogenic (1 of 4 stars; one submission).

Allele frequency attached by ClinVar (database versions not stated): TOPMed 0.00001.

Submission:

Labcorp Genetics (formerly Invitae), Labcorp
Classification: Pathogenic. Last evaluated: 2024-07-12. Review status: criteria provided, single submitter. Criteria: Invitae Variant Classification Sherloc (09022015). Collection method: clinical testing. Allele origin: germline.
Comment: This sequence change creates a premature translational stop signal (p.Ser934*) in the RP1 gene. While this is not anticipated to result in nonsense mediated decay, it is expected to disrupt the last 1223 amino acid(s) of the RP1 protein. This variant is not present in population databases (gnomAD no frequency). This variant has not been reported in the literature in individuals affected with RP1-related conditions. This variant disrupts the C-terminus of the RP1 protein. Many variants that disrupt this region have been reported in individuals with either autosomal dominant or autosomal recessive retinitis pigmentosa (PMID: 11527933, 19933189, 29425069, 30027431, 33681214). Therefore, variants that disrupt this region are expected to be disease-causing. For these reasons, this variant has been classified as Pathogenic.

Literature cited by the submitters: PubMed 11527933; PubMed 19933189; PubMed 29425069; PubMed 30027431; PubMed 33681214.